The following is an entry in ClinVar:

ClinVar aggregate classification (germline): Likely benign (1 of 4 stars; one submission).

Conditions:
ROCK2-related disorder. Also called: ROCK2-related condition.

gnomAD v4.1: 2 of 1,596,606 alleles (0.00013%); highest among the groups gnomAD compares: African/African-American, 0.0013%; no homozygotes.

Submission:

PreventionGenetics, part of Exact Sciences
Classification: Likely benign for ROCK2-related condition. Last evaluated: 2025-10-21. Review status: criteria provided, single submitter. Criteria: ACMG Guidelines, 2015. Collection method: clinical testing. Allele origin: germline.
Comment: This variant is classified as likely benign based on ACMG/AMP sequence variant interpretation guidelines (Richards et al. 2015 PMID: 25741868, with internal and published modifications).

NM_004850.5(ROCK2):c.2403G>A (p.Gln801=)

Gene: ROCK2 (Rho associated coiled-coil containing protein kinase 2; minus strand). Cytogenetic location: 2p25.1.
Variant type: single nucleotide variant.
Coding change: c.2403G>A on transcript NM_004850.5 (MANE Select); coding-DNA position 2403, G replaced by A.
Protein change: p.Gln801=; no amino-acid change (glutamine 801 retained).
Molecular consequence: synonymous variant.
Genome position (GRCh38, 1-based): chr2:11,207,872, C>T on the plus strand (G>A on the coding strand, the complement: ROCK2 is on the minus strand). VCF-style: chr2-11207872-C-T. GRCh37 (hg19) VCF-style: chr2-11347998-C-T.
Other names: c.2145G>A, p.Gln715= (NM_001321643.2).
Identifiers: ClinVar variation 4993119 (VCV004993119.1).